The following is an entry in ClinVar:

ClinVar aggregate classification (germline): Uncertain significance (0 of 4 stars; one submission).

Conditions:
NAA15-related disorder.

Submission:

PreventionGenetics, part of Exact Sciences
Classification: Uncertain significance for NAA15-related condition. Last evaluated: 2024-02-24. Review status: no assertion criteria provided. Collection method: clinical testing. Allele origin: germline.
Comment: The NAA15 c.2056G>C variant is predicted to result in the amino acid substitution p.Glu686Gln. To our knowledge, this variant has not been reported in the literature or in a large population database, indicating this variant is rare. This variant is located at the last nucleotide of the exon and is predicted to weaken the donor splice site and may result in aberrant splicing (Alamut Visual Plus v1.6.1). At this time, the clinical significance of this variant is uncertain due to the absence of conclusive functional and genetic evidence.

NM_057175.5(NAA15):c.2056G>C (p.Glu686Gln)

Gene: NAA15 (N-alpha-acetyltransferase 15, NatA auxiliary subunit; plus strand). Cytogenetic location: 4q31.1.
Variant type: single nucleotide variant.
Coding change: c.2056G>C on transcript NM_057175.5 (MANE Select); coding-DNA position 2056, G replaced by C.
Protein change: p.Glu686Gln; replaces glutamic acid 686 with glutamine.
Molecular consequence: missense variant.
Genome position (GRCh38, 1-based): chr4:139,376,473, G>C. VCF-style: chr4-139376473-G-C. GRCh37 (hg19) VCF-style: chr4-140297627-G-C.
Other names: c.2056G>C, p.Glu686Gln (NM_001410842.1); c.*465G>C (NM_025085.2); short protein forms E686Q.
Identifiers: ClinVar variation 3061403 (VCV003061403.2), dbSNP rs749781466, ClinGen allele CA358270188.